The following is an entry in ClinVar:

ClinVar aggregate classification (germline): Pathogenic/Likely pathogenic. Review status: criteria provided, multiple submitters, no conflicts (2 of 4 stars). 2 submissions from 2 submitters: Pathogenic (1); Likely pathogenic (1). Last evaluated 2025-06-12.

Conditions:
Imerslund-Grasbeck syndrome. Also called: PERNICIOUS ANEMIA, JUVENILE, DUE TO SELECTIVE INTESTINAL MALABSORPTION OF VITAMIN B12, WITH PROTEINURIA; Megaloblastic anemia due to inborn errors of metabolism; ENTEROCYTE COBALAMIN MALABSORPTION; ENTEROCYTE INTRINSIC FACTOR RECEPTOR, DEFECT OF; Imerslund-Gräsbeck syndrome. Identifiers: Orphanet 35858, MedGen C4551825, MONDO:0009853.

Submissions (2):

Labcorp Genetics (formerly Invitae), Labcorp
Classification: Pathogenic for Imerslund-Grasbeck syndrome. Last evaluated: 2025-06-12. Review status: criteria provided, single submitter. Criteria: Invitae Variant Classification Sherloc (09022015). Collection method: clinical testing. Allele origin: germline.
Comment: This sequence change creates a premature translational stop signal (p.Gln128*) in the CUBN gene. It is expected to result in an absent or disrupted protein product. Loss-of-function variants in CUBN are known to be pathogenic (PMID: 15024727, 22929189, 25349199, 31613795, 34979989). This variant is not present in population databases (gnomAD no frequency). This variant has not been reported in the literature in individuals affected with CUBN-related conditions. ClinVar contains an entry for this variant (Variation ID: 493067). For these reasons, this variant has been classified as Pathogenic.

CeGaT Center for Human Genetics Tuebingen
Classification: Likely pathogenic. Last evaluated: 2017-10-01. Review status: criteria provided, single submitter. Criteria: CeGaT Center For Human Genetics Tuebingen Variant Classification Criteria Version 2. Collection method: clinical testing. Allele origin: germline. Affected: yes. Observed: 1 variant allele.

Literature cited by the submitters: PubMed 15024727 (cited by Labcorp Genetics (formerly Invitae), Labcorp); PubMed 22929189 (cited by Labcorp Genetics (formerly Invitae), Labcorp); PubMed 25349199 (cited by Labcorp Genetics (formerly Invitae), Labcorp); PubMed 31613795 (cited by Labcorp Genetics (formerly Invitae), Labcorp); PubMed 34979989 (cited by Labcorp Genetics (formerly Invitae), Labcorp).

NM_001081.4(CUBN):c.382C>T (p.Gln128Ter)

Gene: CUBN (cubilin; minus strand). Cytogenetic location: 10p13.
Variant type: single nucleotide variant.
Coding change: c.382C>T on transcript NM_001081.4 (MANE Select); coding-DNA position 382, C replaced by T.
Protein change: p.Gln128Ter; replaces glutamine 128 with a stop codon.
Molecular consequence: nonsense.
Genome position (GRCh38, 1-based): chr10:17,126,766, G>A on the plus strand (C>T on the coding strand, the complement: CUBN is on the minus strand). VCF-style: chr10-17126766-G-A. GRCh37 (hg19) VCF-style: chr10-17168765-G-A.
Other names: short protein forms Q128*.
Identifiers: ClinVar variation 493067 (VCV000493067.46), dbSNP rs374695194, ClinGen allele CA376169069.
Genomic context (GRCh38, chr10:17,126,766, plus strand): 5'-TGATTCTAGTATGTTTTCTGTGAAAGATTTGGGTATGTAGTAGCATGAGACCTACCTGCT[G>A]CAAGCCTTGGAATTTTCTCTCAAGATCCACCAGCTGGCAATAGGGAAGAAAAAGCTTCAG-3'